The following is an entry in ClinVar:

ClinVar aggregate classification (germline): Benign. Review status: criteria provided, multiple submitters, no conflicts (2 of 4 stars). 2 submissions from 2 submitters: Benign (2). Last evaluated 2018-01-12.

Conditions:
Cataract 18 (CATC2). Also called: CATARACT 18, AUTOSOMAL RECESSIVE. Identifiers: Orphanet 91492, Orphanet 98991, Orphanet 98992, Orphanet 98995, MedGen C1864908, MONDO:0012395, OMIM 610019.

Allele frequency attached by ClinVar (database versions not stated): gnomAD 0.34001; TOPMed 0.34352; 1000 Genomes Project 30x 0.37820; 1000 Genomes Project 0.38558; gnomAD exomes 0.42422.
gnomAD v4.1: 56,560 of 160,918 alleles (35%); highest among the groups gnomAD compares: East Asian, 64%; 11,669 homozygotes.

Submissions (2):

Illumina Laboratory Services, Illumina
Classification: Benign for Cataract 18. Last evaluated: 2018-01-12. Review status: criteria provided, single submitter. Criteria: ICSL Variant Classification Criteria 13 December 2019. Collection method: clinical testing. Allele origin: germline.
Comment: This variant was observed in the ICSL laboratory as part of a predisposition screen in an ostensibly healthy population. It had not been previously curated by ICSL or reported in the Human Gene Mutation Database (HGMD: prior to June 1st, 2018), and was therefore a candidate for classification through an automated scoring system. Utilizing variant allele frequency, disease prevalence and penetrance estimates, and inheritance mode, an automated score was calculated to assess if this variant is too frequent to cause the disease. Based on the score and internal cut-off values, a variant classified as benign is not then subjected to further curation. The score for this variant resulted in a classification of benign for this disease.

Breakthrough Genomics
Classification: Benign. Review status: criteria provided, single submitter. Criteria: ACMG Guidelines, 2015. Collection method: not provided. Allele origin: germline. Inheritance: Autosomal recessive inheritance. Affected: yes.

NM_024513.4(FYCO1):c.*662G>C

Gene: FYCO1 (FYVE and coiled-coil domain autophagy adaptor 1; minus strand). Cytogenetic location: 3p21.31.
Variant type: single nucleotide variant.
Coding change: c.*662G>C on transcript NM_024513.4 (MANE Select); 662 bases downstream of the stop codon, G replaced by C.
Molecular consequence: 3 prime UTR variant.
Genome position (GRCh38, 1-based): chr3:45,921,103, C>G on the plus strand (G>C on the coding strand, the complement: FYCO1 is on the minus strand). VCF-style: chr3-45921103-C-G. GRCh37 (hg19) VCF-style: chr3-45962595-C-G.
Identifiers: ClinVar variation 345481 (VCV000345481.6), dbSNP rs3733103, ClinGen allele CA10618925.